The following is an entry in ClinVar:

ClinVar aggregate classification (germline): Uncertain significance. Review status: criteria provided, multiple submitters, no conflicts (2 of 4 stars). 3 submissions from 3 submitters: Uncertain significance (3). Last evaluated 2024-09-08.

Conditions:
Charcot-Marie-Tooth disease. Also called: Charcot-Marie-Tooth Neuropathy; Charcot-Marie-Tooth Hereditary Neuropathy. Identifiers: Orphanet 166, MedGen C0007959, MONDO:0015626.

Allele frequency attached by ClinVar (database versions not stated): TOPMed below 0.00001; gnomAD 0.00001; gnomAD exomes 0.00001.
gnomAD v4.1: 13 of 1,613,194 alleles (0.00081%); highest among the groups gnomAD compares: Non-Finnish European, 0.0011%; no homozygotes.

Submissions (3):

Molecular Genetics, Royal Melbourne Hospital
Classification: Uncertain significance for Charcot-Marie-Tooth disease. Last evaluated: 2024-09-08. Review status: criteria provided, single submitter. Criteria: ACMG Guidelines, 2015. Collection method: clinical testing. Allele origin: germline. Inheritance: Semidominant inheritance. Affected: yes.
Comment: This sequence change in MME is predicted to replace alanine with threonine at codon 650, p.(Ala650Thr). The Ala650 residue is highly conserved (100 vertebrates, Multiz Alignments), and is located in the peptidase domain. Computational evidence predicts a deleterious effect for the missense substitution (REVEL = 0.929). The highest population minor allele frequency in the population database gnomAD v4.1 is 0.001% (13/1,179,466 alleles) in the non-Finnish European, consistent with late-onset autosomal dominant disease. The variant has been observed in at least two with neuropathy (Royal Melbourne Hospital; Invitae personal correspondence). Based on the classification scheme RMH Modified ACMG/AMP Guidelines v1.7.0, this variant is classified as a VARIANT OF UNCERTAIN SIGNIFICANCE. Following criteria are met: PM2_Supporting, PP3, PS4_supporting.

Blueprint Genetics
Classification: Uncertain significance. Last evaluated: 2024-05-14. Review status: criteria provided, single submitter. Criteria: ACMG Guidelines, 2015. Collection method: clinical testing. Allele origin: germline.

Labcorp Genetics (formerly Invitae), Labcorp
Classification: Uncertain significance. Last evaluated: 2021-08-31. Review status: criteria provided, single submitter. Criteria: Invitae Variant Classification Sherloc (09022015). Collection method: clinical testing. Allele origin: germline.
Comment: This sequence change replaces alanine with threonine at codon 650 of the MME protein (p.Ala650Thr). The alanine residue is highly conserved and there is a small physicochemical difference between alanine and threonine. This variant is not present in population databases (ExAC no frequency). This variant has not been reported in the literature in individuals affected with MME-related conditions. Algorithms developed to predict the effect of missense changes on protein structure and function are either unavailable or do not agree on the potential impact of this missense change (SIFT: "Deleterious"; PolyPhen-2: "Probably Damaging"; Align-GVGD: "Class C0"). In summary, the available evidence is currently insufficient to determine the role of this variant in disease. Therefore, it has been classified as a Variant of Uncertain Significance.

NM_007289.4(MME):c.1948G>A (p.Ala650Thr)

Gene: MME (membrane metalloendopeptidase; plus strand). Cytogenetic location: 3q25.2.
Variant type: single nucleotide variant.
Coding change: c.1948G>A on transcript NM_007289.4 (MANE Select); coding-DNA position 1948, G replaced by A.
Protein change: p.Ala650Thr; replaces alanine 650 with threonine.
Molecular consequence: missense variant.
Genome position (GRCh38, 1-based): chr3:155,168,765, G>A. VCF-style: chr3-155168765-G-A. GRCh37 (hg19) VCF-style: chr3-154886554-G-A.
Other names: c.1948G>A, p.Ala650Thr (NM_000902.5, NM_001354642.2, NM_001354643.1 and 2 more transcripts); short protein forms A650T.
Identifiers: ClinVar variation 1516746 (VCV001516746.7), dbSNP rs778011002, ClinGen allele CA86315757.